The following is an entry in ClinVar:

NM_006231.4(POLE):c.4021C>G (p.Gln1341Glu)

Gene: POLE (DNA polymerase epsilon, catalytic subunit; minus strand). Cytogenetic location: 12q24.33.
Variant type: single nucleotide variant.
Coding change: c.4021C>G on transcript NM_006231.4 (MANE Select); coding-DNA position 4021, C replaced by G.
Protein change: p.Gln1341Glu; replaces glutamine 1341 with glutamic acid.
Molecular consequence: missense variant.
Genome position (GRCh38, 1-based): chr12:132,649,057, G>C on the plus strand (C>G on the coding strand, the complement: POLE is on the minus strand). VCF-style: chr12-132649057-G-C. GRCh37 (hg19) VCF-style: chr12-133225643-G-C.
Other names: c.4021C>G (NM_006231.2); short protein forms Q1341E.
Identifiers: ClinVar variation 1479391 (VCV001479391.8), dbSNP rs2042354173, ClinGen allele CA387383994.

ClinVar aggregate classification (germline): Uncertain significance. Review status: criteria provided, multiple submitters, no conflicts (2 of 4 stars). 2 submissions from 2 submitters: Uncertain significance (2). Last evaluated 2024-11-05.

Submissions (2):

Labcorp Genetics (formerly Invitae), Labcorp
Classification: Uncertain significance. Last evaluated: 2024-11-05. Review status: criteria provided, single submitter. Criteria: Invitae Variant Classification Sherloc (09022015). Collection method: clinical testing. Allele origin: germline.
Comment: This sequence change replaces glutamine, which is neutral and polar, with glutamic acid, which is acidic and polar, at codon 1341 of the POLE protein (p.Gln1341Glu). This variant is not present in population databases (gnomAD no frequency). This variant has not been reported in the literature in individuals affected with POLE-related conditions. ClinVar contains an entry for this variant (Variation ID: 1479391). Invitae Evidence Modeling of protein sequence and biophysical properties (such as structural, functional, and spatial information, amino acid conservation, physicochemical variation, residue mobility, and thermodynamic stability) indicates that this missense variant is not expected to disrupt POLE protein function with a negative predictive value of 80%. In summary, the available evidence is currently insufficient to determine the role of this variant in disease. Therefore, it has been classified as a Variant of Uncertain Significance.

GeneDx
Classification: Uncertain significance. Last evaluated: 2023-04-25. Review status: criteria provided, single submitter. Criteria: GeneDx Variant Classification Process June 2021. Collection method: clinical testing. Allele origin: germline. Affected: yes.
Comment: Not observed at significant frequency in large population cohorts (gnomAD); In silico analysis supports that this missense variant does not alter protein structure/function; Has not been previously published as pathogenic or benign to our knowledge